The following is an entry in ClinVar:

NM_080916.3(DGUOK):c.257C>A (p.Ala86Asp)

Gene: DGUOK (deoxyguanosine kinase; plus strand). Cytogenetic location: 2p13.1.
Variant type: single nucleotide variant.
Coding change: c.257C>A on transcript NM_080916.3 (MANE Select); coding-DNA position 257, C replaced by A.
Protein change: p.Ala86Asp; replaces alanine 86 with aspartic acid.
Molecular consequence: missense variant. On other transcripts: 5 prime UTR variant (4), non-coding transcript variant (5).
Genome position (GRCh38, 1-based): chr2:73,946,720, C>A. VCF-style: chr2-73946720-C-A. GRCh37 (hg19) VCF-style: chr2-74173847-C-A.
Other names: c.257C>A, p.Ala86Asp (NM_001318859.2, NM_080918.3); c.-35C>A (NM_001318860.2, NM_001318861.2, NM_001318862.2 and 1 more transcripts); short protein forms A86D.
Identifiers: ClinVar variation 1933087 (VCV001933087.2), dbSNP rs1385195351, ClinGen allele CA347298724.
Genomic context (GRCh38, chr2:73,946,720, plus strand): 5'-ACCCCATGGAGTAAATATGCTTTCTAGGAAATTTTCTTCTTTTTTTCATCTCCCTCTAGG[C>A]CTGCACTGCCCAAAGTCTTGGAAACTTGCTGGATATGATGTACCGGGAGCCAGCACGATG-3'
Protein context (NP_550438.1, residues 76-96): QNIQAAGTQK[Ala86Asp]CTAQSLGNLL

ClinVar aggregate classification (germline): Uncertain significance (1 of 4 stars; one submission).

Allele frequency attached by ClinVar (database versions not stated): gnomAD 0.00001; TOPMed 0.00001.
gnomAD v4.1: 2 of 1,613,932 alleles (0.00012%); highest among the groups gnomAD compares: East Asian, 0.0045%; no homozygotes.

Submission:

Labcorp Genetics (formerly Invitae), Labcorp
Classification: Uncertain significance. Last evaluated: 2022-01-31. Review status: criteria provided, single submitter. Criteria: Invitae Variant Classification Sherloc (09022015). Collection method: clinical testing. Allele origin: germline.
Comment: This sequence change replaces alanine, which is neutral and non-polar, with aspartic acid, which is acidic and polar, at codon 86 of the DGUOK protein (p.Ala86Asp). This variant is present in population databases (no rsID available, gnomAD 0.01%). This variant has not been reported in the literature in individuals affected with DGUOK-related conditions. Algorithms developed to predict the effect of missense changes on protein structure and function output the following: SIFT: "Tolerated"; PolyPhen-2: "Benign"; Align-GVGD: "Class C0". The aspartic acid amino acid residue is found in multiple mammalian species, which suggests that this missense change does not adversely affect protein function. In summary, the available evidence is currently insufficient to determine the role of this variant in disease. Therefore, it has been classified as a Variant of Uncertain Significance.